The following is an entry in ClinVar:

NM_014141.6(CNTNAP2):c.2191G>A (p.Gly731Ser)

Gene: CNTNAP2 (contactin associated protein 2; plus strand). Cytogenetic location: 7q35.
Variant type: single nucleotide variant.
Coding change: c.2191G>A on transcript NM_014141.6 (MANE Select); coding-DNA position 2191, G replaced by A.
Protein change: p.Gly731Ser; replaces glycine 731 with serine.
Molecular consequence: missense variant.
Genome position (GRCh38, 1-based): chr7:147,903,657, G>A. VCF-style: chr7-147903657-G-A. GRCh37 (hg19) VCF-style: chr7-147600749-G-A.
Other names: p.G731S:GGC>AGC; short protein forms G731S.
Identifiers: ClinVar variation 205259 (VCV000205259.13), dbSNP rs369867547, ClinGen allele CA314152.
Genomic context (GRCh38, chr7:147,903,657, plus strand): 5'-GCCAACGAGAAGCACTACTACTGGGGAGGCTCTGGGCCTGGAATCCAGAAATGTGCCTGC[G>A]GCATCGAACGCAACTGCACAGATCCCAAGTACTACTGTAACTGCGACGCGGACTACAAGC-3'
Protein context (NP_054860.1, residues 721-741): SGPGIQKCAC[Gly731Ser]IERNCTDPKY

ClinVar aggregate classification (germline): Uncertain significance. Review status: criteria provided, multiple submitters, no conflicts (2 of 4 stars). 4 submissions from 4 submitters: Uncertain significance (3). 1 of the submissions does not count toward it. Last evaluated 2026-03-19.

Conditions:
CNTNAP2-related disorder. Also called: CNTNAP2-related condition.
Cortical dysplasia-focal epilepsy syndrome (PTHSL1). Also called: Pitt-Hopkins-like syndrome 1. Identifiers: Orphanet 163681, Orphanet 221150, MedGen C2750246, MONDO:0012400, OMIM 610042.

Allele frequency attached by ClinVar (database versions not stated): ESP Exome Variant Server 0.00008; ExAC 0.00001; gnomAD 0.00001; gnomAD exomes 0.00001; TOPMed 0.00002.
gnomAD v4.1: 22 of 1,613,924 alleles (0.0014%); highest among the groups gnomAD compares: East Asian, 0.013%; no homozygotes.

Submissions (4):

Women's Health and Genetics/Laboratory Corporation of America, LabCorp
Classification: Uncertain significance. Last evaluated: 2026-03-19. Review status: criteria provided, single submitter. Criteria: LabCorp Variant Classification Summary - May 2015. Collection method: clinical testing. Allele origin: germline.
Comment: Variant summary: CNTNAP2 c.2191G>A (p.Gly731Ser) results in a non-conservative amino acid change in the encoded protein sequence. Algorithms developed to predict the effect of missense changes on protein structure and function are either unavailable or do not agree on the potential impact of this missense change. The variant allele was found at a frequency of 8e-06 in 250350 control chromosomes. The available data on variant occurrences in the general population are insufficient to allow any conclusion about variant significance. c.2191G>A has been observed in individual(s) affected with Autism spectrum disorder (Bakkaloglu_2008). These report(s) do not provide unequivocal conclusions about association of the variant with Pitt-Hopkins-Like Syndrome 1. At least one publication reports experimental evidence evaluating an impact on protein function (Canali_2018), shows that this variant impairs binding activity and does not rescue axonal growth defects. The following publications have been ascertained in the context of this evaluation (PMID: 18179895, 29788201). ClinVar contains an entry for this variant (Variation ID: 205259). Based on the evidence outlined above, the variant was classified as uncertain significance.

Labcorp Genetics (formerly Invitae), Labcorp
Classification: Uncertain significance for Cortical dysplasia-focal epilepsy syndrome. Last evaluated: 2021-08-30. Review status: criteria provided, single submitter. Criteria: Invitae Variant Classification Sherloc (09022015). Collection method: clinical testing. Allele origin: germline.
Comment: This sequence change replaces glycine with serine at codon 731 of the CNTNAP2 protein (p.Gly731Ser). The glycine residue is highly conserved and there is a small physicochemical difference between glycine and serine. This variant is present in population databases (rs369867547, ExAC 0.01%). This variant has not been reported in the literature in individuals affected with CNTNAP2-related conditions. ClinVar contains an entry for this variant (Variation ID: 205259). Algorithms developed to predict the effect of missense changes on protein structure and function (SIFT, PolyPhen-2, Align-GVGD) all suggest that this variant is likely to be disruptive. Experimental studies have shown that this missense change affects CNTNAP2 function (PMID: 29788201). Algorithms developed to predict the effect of sequence changes on RNA splicing suggest that this variant may create or strengthen a splice site. In summary, the available evidence is currently insufficient to determine the role of this variant in disease. Therefore, it has been classified as a Variant of Uncertain Significance.

GeneDx
Classification: Uncertain significance. Last evaluated: 2021-08-10. Review status: criteria provided, single submitter. Criteria: GeneDx Variant Classification Process June 2021. Collection method: clinical testing. Allele origin: germline. Affected: yes.
Comment: Not observed at significant frequency in large population cohorts (Lek et al., 2016); In silico analysis supports that this missense variant has a deleterious effect on protein structure/function; This variant is associated with the following publications: (PMID: 30028556, 22365836, 29028946, 19896112, 30450007, 29788201, 18179895)

PreventionGenetics, part of Exact Sciences
Classification: Uncertain significance for CNTNAP2-related condition. Last evaluated: 2024-02-12. Review status: no assertion criteria provided. Collection method: clinical testing. Allele origin: germline. Not counted in ClinVar's aggregate classification.
Comment: The CNTNAP2 c.2191G>A variant is predicted to result in the amino acid substitution p.Gly731Ser. This variant was reported as paternally inherited in an individual with autism spectrum disorder (Bakkaloglu et al. 2008. PubMed ID: 18179895). Functional studies indicate this variant impacts CNTNAP2 binding activity and does not rescue axonal growth defects (Canali et al. 2018. PubMed ID: 29788201). This variant is reported in 0.011% of alleles in individuals of East Asian descent in gnomAD. At this time, the clinical significance of this variant is uncertain due to the absence of conclusive functional and genetic evidence.

Literature cited by the submitters: PubMed 18179895 (cited by Women's Health and Genetics/Laboratory Corporation of America, LabCorp); PubMed 29788201 (cited by Women's Health and Genetics/Laboratory Corporation of America, LabCorp and Labcorp Genetics (formerly Invitae), Labcorp).